The following is an entry in ClinVar:

ClinVar aggregate classification (germline): Uncertain significance (1 of 4 stars; one submission).

Submission:

Ambry Genetics
Classification: Uncertain significance. Last evaluated: 2022-09-19. Review status: criteria provided, single submitter. Criteria: Ambry Variant Classification Scheme 2023. Collection method: clinical testing. Allele origin: germline.
Comment: The p.K1642T variant (also known as c.4925A>C), located in coding exon 37 of the PRKDC gene, results from an A to C substitution at nucleotide position 4925. The lysine at codon 1642 is replaced by threonine, an amino acid with similar properties. This amino acid position is conserved. In addition, this alteration is predicted to be tolerated by in silico analysis. Since supporting evidence is limited at this time, the clinical significance of this alteration remains unclear.

NM_006904.7(PRKDC):c.4925A>C (p.Lys1642Thr)

Gene: PRKDC (protein kinase, DNA-activated, catalytic subunit; minus strand). Cytogenetic location: 8q11.21.
Variant type: single nucleotide variant.
Coding change: c.4925A>C on transcript NM_006904.7 (MANE Select); coding-DNA position 4925, A replaced by C.
Protein change: p.Lys1642Thr; replaces lysine 1642 with threonine.
Molecular consequence: missense variant.
Genome position (GRCh38, 1-based): chr8:47,881,949, T>G on the plus strand (A>C on the coding strand, the complement: PRKDC is on the minus strand). VCF-style: chr8-47881949-T-G. GRCh37 (hg19) VCF-style: chr8-48794510-T-G.
Other names: c.4925A>C, p.Lys1642Thr (NM_001081640.2); short protein forms K1642T.
Identifiers: ClinVar variation 1744148 (VCV001744148.2), dbSNP rs2551872687, ClinGen allele CA371141583.
Genomic context (GRCh38, chr8:47,881,949, plus strand): 5'-TGCTTTTTAAAGGAATTGAATACCTGTAAAATTTTTGCCAGTAAGGCCAGCACTGCCATT[T>G]TAGTTTCGAGAGGGGAATCTTTGGCCCACCATGAATCACACTTCTTCCAGTGTTGCAGAA-3'
Protein context (NP_008835.5, residues 1632-1652): WWAKDSPLET[Lys1642Thr]MAVLALLAKI